The following is an entry in ClinVar:

ClinVar aggregate classification (germline): Uncertain significance (1 of 4 stars; one submission).

Submission:

Labcorp Genetics (formerly Invitae), Labcorp
Classification: Uncertain significance. Last evaluated: 2021-04-02. Review status: criteria provided, single submitter. Criteria: Invitae Variant Classification Sherloc (09022015). Collection method: clinical testing. Allele origin: germline.
Comment: This variant has not been reported in the literature in individuals with KIDINS220-related conditions. This variant is not present in population databases (ExAC no frequency). This sequence change replaces glycine with arginine at codon 1464 of the KIDINS220 protein (p.Gly1464Arg). The glycine residue is moderately conserved and there is a moderate physicochemical difference between glycine and arginine. In summary, the available evidence is currently insufficient to determine the role of this variant in disease. Therefore, it has been classified as a Variant of Uncertain Significance. Algorithms developed to predict the effect of missense changes on protein structure and function are either unavailable or do not agree on the potential impact of this missense change (SIFT: "Deleterious"; PolyPhen-2: "Possibly Damaging"; Align-GVGD: "Class C0").

NM_020738.4(KIDINS220):c.4390G>C (p.Gly1464Arg)

Gene: KIDINS220 (kinase D interacting substrate 220; minus strand). Cytogenetic location: 2p25.1.
Variant type: single nucleotide variant.
Coding change: c.4390G>C on transcript NM_020738.4 (MANE Select); coding-DNA position 4390, G replaced by C.
Protein change: p.Gly1464Arg; replaces glycine 1464 with arginine.
Molecular consequence: missense variant. On other transcripts: intron variant (6).
Genome position (GRCh38, 1-based): chr2:8,731,646, C>G on the plus strand (G>C on the coding strand, the complement: KIDINS220 is on the minus strand). VCF-style: chr2-8731646-C-G. GRCh37 (hg19) VCF-style: chr2-8871776-C-G.
Other names: c.4393G>C, p.Gly1465Arg (NM_001348729.2); c.4336G>C, p.Gly1446Arg (NM_001348731.2); c.4333G>C, p.Gly1445Arg (NM_001348732.2); c.4222G>C, p.Gly1408Arg (NM_001348734.2); c.4219G>C, p.Gly1407Arg (NM_001348735.2); c.4093G>C, p.Gly1365Arg (NM_001348736.2); c.3882+1798G>C (NM_001348741.2, NM_001348742.2, NM_001348743.2); c.3996+1798G>C (NM_001348738.2); and 1 more; short protein forms G1445R, G1464R, G1408R, G1465R, G1365R, G1407R, G1446R.
Identifiers: ClinVar variation 1522239 (VCV001522239.8), dbSNP rs2147945410, ClinGen allele CA345764784.
Genomic context (GRCh38, chr2:8,731,646, plus strand): 5'-CTGATTTTTCATCTTCTTCAGTGATAGGATCCAGGGGGGAAGCATCGTTGGTGGAAACCC[C>G]TGATGATGAATAATCGATAACATCTCCCCTCTTCATTAGAAAGGACTTCCTCCCATCATC-3'
Protein context (NP_065789.1, residues 1454-1474): RGDVIDYSSS[Gly1464Arg]VSTNDASPLD